The following is an entry in ClinVar:

NM_015102.5(NPHP4):c.473C>A (p.Thr158Asn)

Gene: NPHP4 (nephrocystin 4; minus strand). Cytogenetic location: 1p36.31.
Variant type: single nucleotide variant.
Coding change: c.473C>A on transcript NM_015102.5 (MANE Select); coding-DNA position 473, C replaced by A.
Protein change: p.Thr158Asn; replaces threonine 158 with asparagine.
Molecular consequence: missense variant. On other transcripts: 5 prime UTR variant (2), non-coding transcript variant (1).
Genome position (GRCh38, 1-based): chr1:5,967,343, G>T on the plus strand (C>A on the coding strand, the complement: NPHP4 is on the minus strand). VCF-style: chr1-5967343-G-T. GRCh37 (hg19) VCF-style: chr1-6027403-G-T.
Other names: c.-757C>A (NM_001291593.2); c.-894C>A (NM_001291594.2); short protein forms T158N.
Identifiers: ClinVar variation 1021700 (VCV001021700.8), dbSNP rs1651710968, ClinGen allele CA338049484.

ClinVar aggregate classification (germline): Uncertain significance (1 of 4 stars; one submission).

Conditions:
Nephronophthisis. Also called: Juvenile Nephronophthisis. Identifiers: Orphanet 655, MedGen C0687120, MONDO:0019005, HP:0000090.

Submission:

Labcorp Genetics (formerly Invitae), Labcorp
Classification: Uncertain significance for Nephronophthisis. Last evaluated: 2022-02-03. Review status: criteria provided, single submitter. Criteria: Invitae Variant Classification Sherloc (09022015). Collection method: clinical testing. Allele origin: germline.
Comment: This sequence change replaces threonine, which is neutral and polar, with asparagine, which is neutral and polar, at codon 158 of the NPHP4 protein (p.Thr158Asn). This variant is not present in population databases (gnomAD no frequency). This variant has not been reported in the literature in individuals affected with NPHP4-related conditions. ClinVar contains an entry for this variant (Variation ID: 1021700). Algorithms developed to predict the effect of missense changes on protein structure and function are either unavailable or do not agree on the potential impact of this missense change (SIFT: "Deleterious"; PolyPhen-2: "Possibly Damaging"; Align-GVGD: "Class C0"). In summary, the available evidence is currently insufficient to determine the role of this variant in disease. Therefore, it has been classified as a Variant of Uncertain Significance.